The following is an entry in ClinVar:

ClinVar aggregate classification (germline): Pathogenic (1 of 4 stars; one submission).

Conditions:
Pulmonary fibrosis and/or bone marrow failure, Telomere-related, 4. Also called: PULMONARY FIBROSIS AND/OR BONE MARROW FAILURE SYNDROME, TELOMERE-RELATED, 4. Identifiers: Orphanet 2032, MedGen C4225347, MONDO:0014612, OMIM 616371.
Dyskeratosis congenita, autosomal recessive 6 (DKCB6). Identifiers: MedGen C4225356, MONDO:0014600, OMIM 616353.

Submission:

Labcorp Genetics (formerly Invitae), Labcorp
Classification: Pathogenic for Dyskeratosis congenita, autosomal recessive 6; Pulmonary fibrosis and/or bone marrow failure, Telomere-related, 4. Last evaluated: 2025-02-20. Review status: criteria provided, single submitter. Criteria: Invitae Variant Classification Sherloc (09022015). Collection method: clinical testing. Allele origin: germline.
Comment: This sequence change creates a premature translational stop signal (p.Ser167*) in the PARN gene. It is expected to result in an absent or disrupted protein product. Loss-of-function variants in PARN are known to be pathogenic (PMID: 9736620, 25848748, 26810774). This variant is present in population databases (no rsID available, gnomAD 0.003%). This variant has not been reported in the literature in individuals affected with PARN-related conditions. For these reasons, this variant has been classified as Pathogenic.

Literature cited by the submitters: PubMed 9736620; PubMed 25848748; PubMed 26810774.

NM_002582.4(PARN):c.500C>G (p.Ser167Ter)

Gene: PARN (poly(A)-specific ribonuclease; minus strand). Cytogenetic location: 16p13.12.
Variant type: single nucleotide variant.
Coding change: c.500C>G on transcript NM_002582.4 (MANE Select); coding-DNA position 500, C replaced by G.
Protein change: p.Ser167Ter; replaces serine 167 with a stop codon.
Molecular consequence: nonsense.
Genome position (GRCh38, 1-based): chr16:14,610,698, G>C on the plus strand (C>G on the coding strand, the complement: PARN is on the minus strand). VCF-style: chr16-14610698-G-C. GRCh37 (hg19) VCF-style: chr16-14704555-G-C.
Other names: c.317C>G, p.Ser106Ter (NM_001134477.3); c.362C>G, p.Ser121Ter (NM_001242992.2); short protein forms S106*, S167*, S121*.
Identifiers: ClinVar variation 4784244 (VCV004784244.1).